The following is an entry in ClinVar:

NM_006767.4(LZTR1):c.1260+1G>A

Gene: LZTR1 (leucine zipper like post translational regulator 1; plus strand). Cytogenetic location: 22q11.21.
Variant type: single nucleotide variant.
Coding change: c.1260+1G>A on transcript NM_006767.4 (MANE Select); the canonical splice donor site of the intron after coding-DNA position 1260, G replaced by A.
Molecular consequence: splice donor variant.
Genome position (GRCh38, 1-based): chr22:20,992,905, G>A. VCF-style: chr22-20992905-G-A. GRCh37 (hg19) VCF-style: chr22-21347194-G-A.
Identifiers: ClinVar variation 1305284 (VCV001305284.21), dbSNP rs143868364, ClinGen allele CA10118772.

ClinVar aggregate classification (germline): Conflicting classifications of pathogenicity. Review status: criteria provided, conflicting classifications (1 of 4 stars). 8 submissions from 8 submitters: Likely pathogenic (7); Uncertain significance (1). Last evaluated 2026-10-23.

Conditions:
Noonan syndrome 10 (NS10). Identifiers: Orphanet 648, MedGen C4225280, MONDO:0014693, OMIM 616564.
Hereditary cancer-predisposing syndrome. Also called: Neoplastic Syndromes, Hereditary; Tumor predisposition; Hereditary Cancer Syndrome; Hereditary neoplastic syndrome. Identifiers: Orphanet 140162, MedGen C0027672, MeSH D009386, MONDO:0015356.
Cardiovascular phenotype. Identifiers: MedGen CN230736.
LZTR1-related disorder. Also called: LZTR1-related disorders; LZTR1-related condition.
LZTR1-related schwannomatosis. Also called: Schwannomatosis 2; Schwannomatosis-2, susceptibility to. Identifiers: Orphanet 93921, MedGen C3810283, MONDO:0014299, OMIM 615670.

Allele frequency attached by ClinVar (database versions not stated): gnomAD 0.00001.

Submissions (10):

GeneDx
Classification: Likely pathogenic. Last evaluated: 2026-10-23. Review status: criteria provided, single submitter. Criteria: GeneDx Variant Classification Process June 2021. Collection method: clinical testing. Allele origin: germline.
Comment: Canonical splice site variant predicted to result in an in-frame loss of the adjacent exon in a gene for which loss of function is a known mechanism of disease; Not observed at significant frequency in large population cohorts (gnomAD); This variant is associated with the following publications: (PMID: 31370276, Bonnard2026[article], 42892129)

Labcorp Genetics (formerly Invitae), Labcorp
Classification: Likely pathogenic. Last evaluated: 2025-12-23. Review status: criteria provided, single submitter. Criteria: Invitae Variant Classification Sherloc (09022015). Collection method: clinical testing. Allele origin: germline.
Comment: This sequence change affects a donor splice site in intron 11 of the LZTR1 gene. It is expected to disrupt RNA splicing. Variants that disrupt the donor or acceptor splice site typically lead to a loss of protein function (PMID: 16199547), and loss-of-function variants in LZTR1 are known to be pathogenic (PMID: 24362817, 25335493, 25480913, 25795793, 29469822, 30368668, 30442762, 30442766, 30481304, 30859559). This variant is present in population databases (rs143868364, gnomAD 0.03%). This variant has not been reported in the literature in individuals affected with LZTR1-related conditions. ClinVar contains an entry for this variant (Variation ID: 1305284). Algorithms developed to predict the effect of sequence changes on RNA splicing suggest that this variant may disrupt the consensus splice site. In summary, the currently available evidence indicates that the variant is pathogenic, but additional data are needed to prove that conclusively. Therefore, this variant has been classified as Likely Pathogenic.

Ambry Genetics
Classification: Likely pathogenic for Cardiovascular phenotype; Hereditary cancer-predisposing syndrome. Last evaluated: 2025-01-19. Review status: criteria provided, single submitter. Criteria: Ambry Variant Classification Scheme 2023. Collection method: clinical testing. Allele origin: germline.
Comment: The c.1260+1G>A intronic variant results from a G to A substitution one nucleotide after coding exon 11 of the LZTR1 gene. Alterations that disrupt the canonical splice site are expected to result in aberrant splicing. In silico splice site analysis predicts that this alteration will weaken the native splice donor site and may result in the creation or strengthening of a novel splice donor site; however, direct evidence is insufficient at this time (Ambry internal data). A resulting transcript is predicted to be in-frame and is not expected to trigger nonsense-mediated mRNAdecay; although, direct evidence is unavailable. However, the region predicted to be impacted is critical for protein function (Ambry internal data). This nucleotide position is highly conserved in available vertebrate species. Loss-of-function variants in LZTR1 are related to an increased risk for schwannomas and autosomal recessive Noonan syndrome; however, such associations with autosomal dominant Noonan syndrome have not been observed (Piotrowski A et al. Nat Genet. 2014 Feb;46:182-7; Yamamoto GL et al. J Med Genet. 2015 Jun;52:413-21; Johnston JJ et al. Genet Med. 2018 10;20:1175-1185). Based on the supporting evidence, this variant is likely pathogenic for an increased risk of LZTR1-related schwannomatosis (SWN) and would be expected to cause autosomal recessive Noonan syndrome when present along with a second pathogenic or likely pathogenic variant on the other allele; however, the association of this alteration with autosomal dominant Noonan syndrome is unlikely.

Blueprint Genetics
Classification: Uncertain significance. Last evaluated: 2024-10-25. Review status: criteria provided, single submitter. Criteria: ACMG Guidelines, 2015. Collection method: clinical testing. Allele origin: germline.

Baylor Genetics
Classification: Likely pathogenic for LZTR1-related schwannomatosis. Last evaluated: 2023-10-25. Review status: criteria provided, single submitter. Criteria: ACMG Guidelines, 2015. Collection method: clinical testing. Allele origin: unknown.

Clinical Genomics Laboratory, Washington University in St. Louis
Classification: Likely pathogenic for Noonan syndrome 10. Last evaluated: 2023-10-14. Review status: criteria provided, single submitter. Criteria: ACMG Guidelines, 2015. Collection method: clinical testing. Allele origin: germline. Affected: yes.
Comment: The LZTR1 c.1260+1G>A variant was identified at a near heterozygous allelic fraction. This variant, to our knowledge, has not been reported in the medical literature. This variant has been reported in the ClinVar database as a likely pathogenic germline variant by three submitters and a germline variant of uncertain significance by one submitter (ClinVar ID: 1305284). This variant is only observed on 1/152,262 alleles in the general population (gnomAD v.3.1.2), indicating it is not a common variant. This variant occurs within the canonical splice donor site, which is predicted to disrupt RNA splicing. Based on the ACMG/AMP guidelines for variant interpretation (Richards S et al., PMID: 25741868), the LZTR1 c.1260+1G>A variant is classified as likely pathogenic.

PreventionGenetics, part of Exact Sciences
Classification: Likely pathogenic for LZTR1-related condition. Last evaluated: 2023-01-06. Review status: criteria provided, single submitter. Criteria: ACMG Guidelines, 2015. Collection method: clinical testing. Allele origin: germline.
Comment: The LZTR1 c.1260+1G>A variant is predicted to disrupt the GT donor site and interfere with normal splicing. To our knowledge, this variant has not been reported in the literature. This variant is reported in 0.033% of alleles in individuals of Ashkenazi Jewish descent in gnomAD. Variants that disrupt the consensus splice donor site in LZTR1 are expected to be pathogenic. This variant is interpreted as likely pathogenic.

Revvity Omics, Revvity
Classification: Likely pathogenic. Last evaluated: 2022-10-17. Review status: criteria provided, single submitter. Criteria: ACMG Guidelines, 2015. Collection method: clinical testing. Allele origin: germline.

Dr. Peter K. Rogan Lab, Western University
No classification provided (evidence only). Condition: Malignant tumor of esophagus. Review status: no classification provided. Collection method: in vitro. Allele origin: not applicable. Functional consequence: skipped exon, retained intron. Not counted in ClinVar's aggregate classification.

MutSpliceDB: a database of splice sites variants effects on splicing, NIH
No classification provided (evidence only). Review status: no classification provided. Collection method: in vivo. Allele origin: not applicable. Functional consequence: retained intron. Not counted in ClinVar's aggregate classification.

Literature cited by the submitters: PubMed 16199547 (cited by Labcorp Genetics (formerly Invitae), Labcorp); PubMed 24362817 (cited by Labcorp Genetics (formerly Invitae), Labcorp); PubMed 25335493 (cited by Labcorp Genetics (formerly Invitae), Labcorp); PubMed 25480913 (cited by Labcorp Genetics (formerly Invitae), Labcorp); PubMed 25795793 (cited by Labcorp Genetics (formerly Invitae), Labcorp); PubMed 29469822 (cited by Labcorp Genetics (formerly Invitae), Labcorp); PubMed 30368668 (cited by Labcorp Genetics (formerly Invitae), Labcorp); PubMed 30442762 (cited by Labcorp Genetics (formerly Invitae), Labcorp); PubMed 30442766 (cited by Labcorp Genetics (formerly Invitae), Labcorp); PubMed 30481304 (cited by Labcorp Genetics (formerly Invitae), Labcorp); PubMed 30859559 (cited by Labcorp Genetics (formerly Invitae), Labcorp).